The following is an entry in ClinVar:

NM_001077653.2(TBX20):c.29A>G (p.Gln10Arg)

Gene: TBX20 (T-box transcription factor 20; minus strand). Cytogenetic location: 7p14.2.
Variant type: single nucleotide variant.
Coding change: c.29A>G on transcript NM_001077653.2 (MANE Select); coding-DNA position 29, A replaced by G.
Protein change: p.Gln10Arg; replaces glutamine 10 with arginine.
Molecular consequence: missense variant.
Genome position (GRCh38, 1-based): chr7:35,253,592, T>C on the plus strand (A>G on the coding strand, the complement: TBX20 is on the minus strand). VCF-style: chr7-35253592-T-C. GRCh37 (hg19) VCF-style: chr7-35293203-T-C.
Other names: c.29A>G, p.Gln10Arg (NM_001166220.1); short protein forms Q10R.
Identifiers: ClinVar variation 2051674 (VCV002051674.4), dbSNP rs2546999480, ClinGen allele CA367265658.

ClinVar aggregate classification (germline): Uncertain significance (1 of 4 stars; one submission).

Allele frequency attached by ClinVar (database versions not stated): gnomAD exomes below 0.00001.
gnomAD v4.1: 1 of 1,612,048 alleles (0.000062%); highest among the groups gnomAD compares: Admixed American, 0.0017%; no homozygotes.

Submission:

Labcorp Genetics (formerly Invitae), Labcorp
Classification: Uncertain significance. Last evaluated: 2025-03-17. Review status: criteria provided, single submitter. Criteria: Invitae Variant Classification Sherloc (09022015). Collection method: clinical testing. Allele origin: germline.
Comment: This sequence change replaces glutamine, which is neutral and polar, with arginine, which is basic and polar, at codon 10 of the TBX20 protein (p.Gln10Arg). This variant is not present in population databases (gnomAD no frequency). This variant has not been reported in the literature in individuals affected with TBX20-related conditions. ClinVar contains an entry for this variant (Variation ID: 2051674). An algorithm developed to predict the effect of missense changes on protein structure and function (PolyPhen-2) suggests that this variant is likely to be disruptive. In summary, the available evidence is currently insufficient to determine the role of this variant in disease. Therefore, it has been classified as a Variant of Uncertain Significance.